The following is an entry in ClinVar:

ClinVar aggregate classification (germline): Pathogenic (1 of 4 stars; one submission).

Conditions:
Poirier-Bienvenu neurodevelopmental syndrome (POBINDS). Identifiers: Orphanet 689397, MedGen C5231482, MONDO:0032889, OMIM 618732.

Submission:

Gansu Provincial Maternity and Child Care Hospital
Classification: Pathogenic for Poirier-Bienvenu neurodevelopmental syndrome. Last evaluated: 2026-06-02. Review status: criteria provided, single submitter. Criteria: ACMG Guidelines, 2015. Collection method: clinical testing. Allele origin: de novo. Inheritance: Autosomal dominant inheritance. Affected: yes.
Comment: The c.453_c.454insACvariant is a frameshift variant that leads to premature termination of translation (PVS1). Parental verification confirmed it as a de novo variant (PS2). This site is not recorded in the gnomAD database (PM2_supporting).This variant is classified as Pathogenic.

NM_001320.7(CSNK2B):c.452_453dup (p.His152fs)

Gene: CSNK2B (casein kinase 2 beta; plus strand). Cytogenetic location: 6p21.33.
Variant type: Microsatellite.
Coding change: c.452_453dup on transcript NM_001320.7 (MANE Select); coding-DNA positions 452 to 453, 2 bases duplicated (AC; older notation c.452_453dupAC).
Protein change: p.His152fs; shifts the reading frame from histidine 152.
Molecular consequence: frameshift variant.
Genome position (GRCh38, 1-based): chr6:31,669,403-31,669,404, AC duplicated; duplicating any 2 consecutive bases within chr6:31,669,401-31,669,404 gives the same sequence; the c. name uses the placement nearest the transcript's 3' end. VCF-style (leftmost placement, unchanged base first): chr6-31669400-G-GAC. GRCh37 (hg19) VCF-style: chr6-31637177-G-GAC.
Other names: c.453_454insAC (NM_001320.7); c.443_444dup, p.His149fs (NM_001282385.2); short protein forms H149fs, H152fs.
Identifiers: ClinVar variation 4880244 (VCV004880244.1).